The following is an entry in ClinVar:

ClinVar aggregate classification (germline): Uncertain significance (1 of 4 stars; one submission).

Conditions:
Deficiency of butyryl-CoA dehydrogenase (ACADSD). Also called: SCAD DEFICIENCY, MILD; ACYL-CoA DEHYDROGENASE, SHORT-CHAIN, DEFICIENCY OF; Short-Chain Acyl-CoA Dehydrogenase Deficiency; ACADS DEFICIENCY; SCADH DEFICIENCY; SCAD Deficiency. Identifiers: Orphanet 26792, MedGen C0342783, MONDO:0008722, OMIM 201470. Disease mechanism: May be benign.

Submission:

Labcorp Genetics (formerly Invitae), Labcorp
Classification: Uncertain significance for Deficiency of butyryl-CoA dehydrogenase. Last evaluated: 2022-04-12. Review status: criteria provided, single submitter. Criteria: Invitae Variant Classification Sherloc (09022015). Collection method: clinical testing. Allele origin: germline.
Comment: In summary, the available evidence is currently insufficient to determine the role of this variant in disease. Therefore, it has been classified as a Variant of Uncertain Significance. Algorithms developed to predict the effect of sequence changes on RNA splicing suggest that this variant may disrupt the consensus splice site. This variant has been observed in individual(s) with a positive newborn screening result for ACADS-related disease (Invitae). This variant is not present in population databases (gnomAD no frequency). This sequence change falls in intron 3 of the ACADS gene. It does not directly change the encoded amino acid sequence of the ACADS protein.

NM_000017.4(ACADS):c.361-14C>A

Gene: ACADS (acyl-CoA dehydrogenase short chain; plus strand). Cytogenetic location: 12q24.31.
Variant type: single nucleotide variant.
Coding change: c.361-14C>A on transcript NM_000017.4 (MANE Select); 14 bases into the intron before coding-DNA position 361, C replaced by A.
Molecular consequence: intron variant.
Genome position (GRCh38, 1-based): chr12:120,737,342, C>A. VCF-style: chr12-120737342-C-A. GRCh37 (hg19) VCF-style: chr12-121175145-C-A.
Other names: c.361-14C>A (NM_001302554.2).
Identifiers: ClinVar variation 1942488 (VCV001942488.5), dbSNP rs560274887, ClinGen allele CA2580085888.